The following is an entry in ClinVar:

NM_002334.4(LRP4):c.603A>G (p.Gly201=)

Gene: LRP4 (LDL receptor related protein 4; minus strand). Cytogenetic location: 11p11.2.
Variant type: single nucleotide variant.
Coding change: c.603A>G on transcript NM_002334.4 (MANE Select); coding-DNA position 603, A replaced by G.
Protein change: p.Gly201=; no amino-acid change (glycine 201 retained).
Molecular consequence: synonymous variant.
Genome position (GRCh38, 1-based): chr11:46,898,977, T>C on the plus strand (A>G on the coding strand, the complement: LRP4 is on the minus strand). VCF-style: chr11-46898977-T-C. GRCh37 (hg19) VCF-style: chr11-46920528-T-C.
Identifiers: ClinVar variation 3765655 (VCV003765655.1).

ClinVar aggregate classification (germline): Uncertain significance (1 of 4 stars; one submission).

gnomAD v4.1: 11 of 1,613,736 alleles (0.00068%); highest among the groups gnomAD compares: Admixed American, 0.005%; no homozygotes.

Submission:

Greenwood Genetic Center Diagnostic Laboratories, Greenwood Genetic Center
Classification: Uncertain significance. Last evaluated: 2024-09-20. Review status: criteria provided, single submitter. Criteria: ACMG Guidelines, 2015. Collection method: clinical testing. Allele origin: germline. Affected: yes.
Comment: PM1, PM2, BP7